The following is an entry in ClinVar:

NM_021224.6(ZNF462):c.3200T>C (p.Met1067Thr)

Gene: ZNF462 (zinc finger protein 462; plus strand). Cytogenetic location: 9q31.2.
Variant type: single nucleotide variant.
Coding change: c.3200T>C on transcript NM_021224.6 (MANE Select); coding-DNA position 3200, T replaced by C.
Protein change: p.Met1067Thr; replaces methionine 1067 with threonine.
Molecular consequence: missense variant.
Genome position (GRCh38, 1-based): chr9:106,927,112, T>C. VCF-style: chr9-106927112-T-C. GRCh37 (hg19) VCF-style: chr9-109689393-T-C.
Other names: c.3200T>C, p.Met1067Thr (NM_001347997.2); short protein forms M1067T.
Identifiers: ClinVar variation 4076356 (VCV004076356.1).

ClinVar aggregate classification (germline): Uncertain significance (1 of 4 stars; one submission).

Conditions:
Weiss-Kruszka syndrome. Also called: Metopic ridging-ptosis-facial dysmorphism syndrome. Identifiers: Orphanet 502430, MedGen C5568107, MONDO:0032836, OMIM 618619.

Submission:

Laboratorio de Genetica e Diagnostico Molecular, Hospital Israelita Albert Einstein
Classification: Uncertain significance for Weiss-Kruszka syndrome. Last evaluated: 2024-08-13. Review status: criteria provided, single submitter. Criteria: ACMG Guidelines, 2015. Collection method: clinical testing. Allele origin: germline. Affected: yes.
Comment: ACMG classification criteria: PM2 supporting, PP2 supporting, BP4 supporting